The following is an entry in ClinVar:

NM_001283009.2(RTEL1):c.196G>A (p.Gly66Ser)

Genes: RTEL1 (regulator of telomere elongation helicase 1; plus strand), RTEL1-TNFRSF6B (RTEL1-TNFRSF6B readthrough (NMD candidate); plus strand). Cytogenetic location: 20q13.33.
Variant type: single nucleotide variant.
Coding change: c.196G>A on transcript NM_001283009.2 (MANE Select); coding-DNA position 196, G replaced by A.
Protein change: p.Gly66Ser; replaces glycine 66 with serine.
Molecular consequence: missense variant. On other transcripts: non-coding transcript variant (1), 5 prime UTR variant (1).
Genome position (GRCh38, 1-based): chr20:63,661,391, G>A. VCF-style: chr20-63661391-G-A. GRCh37 (hg19) VCF-style: chr20-62292744-G-A.
Other names: c.-474G>A (NM_001283010.1); c.196G>A, p.Gly66Ser (NM_016434.4, NM_032957.5); short protein forms G66S.
Identifiers: ClinVar variation 1359800 (VCV001359800.8), dbSNP rs755641587, ClinGen allele CA9964137.

ClinVar aggregate classification (germline): Uncertain significance (1 of 4 stars; one submission).

Conditions:
Pulmonary fibrosis and/or bone marrow failure, Telomere-related, 3. Also called: PULMONARY FIBROSIS AND/OR BONE MARROW FAILURE SYNDROME, TELOMERE-RELATED, 3. Identifiers: Orphanet 2032, MedGen C4225346, MONDO:0014613, OMIM 616373.
Dyskeratosis congenita, autosomal recessive 5 (DKCB5). Identifiers: MedGen C3554656, MONDO:0014076, OMIM 615190.

Allele frequency attached by ClinVar (database versions not stated): gnomAD exomes 0.00001 and below 0.00001; ExAC 0.00001.
gnomAD v4.1: 13 of 1,613,910 alleles (0.00081%); highest among the groups gnomAD compares: East Asian, 0.0089%; no homozygotes.

Submission:

Labcorp Genetics (formerly Invitae), Labcorp
Classification: Uncertain significance for Dyskeratosis congenita, autosomal recessive 5; Pulmonary fibrosis and/or bone marrow failure, Telomere-related, 3. Last evaluated: 2025-04-17. Review status: criteria provided, single submitter. Criteria: Invitae Variant Classification Sherloc (09022015). Collection method: clinical testing. Allele origin: germline.
Comment: This sequence change replaces glycine, which is neutral and non-polar, with serine, which is neutral and polar, at codon 66 of the RTEL1 protein (p.Gly66Ser). The frequency data for this variant in the population databases is considered unreliable, as metrics indicate poor data quality at this position in the gnomAD database. This variant has not been reported in the literature in individuals affected with RTEL1-related conditions. ClinVar contains an entry for this variant (Variation ID: 1359800). An algorithm developed to predict the effect of missense changes on protein structure and function outputs the following: PolyPhen-2: "Benign". The serine amino acid residue is found in multiple mammalian species, which suggests that this missense change does not adversely affect protein function. In summary, the available evidence is currently insufficient to determine the role of this variant in disease. Therefore, it has been classified as a Variant of Uncertain Significance.